The following is an entry in ClinVar:

ClinVar aggregate classification (germline): Pathogenic (1 of 4 stars; one submission).

Conditions:
Alstrom syndrome (ALMS). Identifiers: Orphanet 64, MedGen C0268425, MONDO:0008763, OMIM 203800.

Submission:

Labcorp Genetics (formerly Invitae), Labcorp
Classification: Pathogenic for Alstrom syndrome. Last evaluated: 2022-11-15. Review status: criteria provided, single submitter. Criteria: Invitae Variant Classification Sherloc (09022015). Collection method: clinical testing. Allele origin: germline.
Comment: This sequence change creates a premature translational stop signal (p.Thr3145Asnfs*7) in the ALMS1 gene. It is expected to result in an absent or disrupted protein product. Loss-of-function variants in ALMS1 are known to be pathogenic (PMID: 17594715). This variant is not present in population databases (gnomAD no frequency). This variant has not been reported in the literature in individuals affected with ALMS1-related conditions. ClinVar contains an entry for this variant (Variation ID: 241016). For these reasons, this variant has been classified as Pathogenic.

Literature cited by the submitters: PubMed 17594715.

NM_001378454.1(ALMS1):c.9430dup (p.Thr3144fs)

Gene: ALMS1 (ALMS1 centrosome and basal body associated protein; plus strand). Cytogenetic location: 2p13.1.
Variant type: Duplication.
Coding change: c.9430dup on transcript NM_001378454.1 (MANE Select); coding-DNA position 9430, one base duplicated (A; older notation c.9430dupA).
Protein change: p.Thr3144fs; shifts the reading frame from threonine 3144.
Molecular consequence: frameshift variant.
Genome position (GRCh38, 1-based): chr2:73,491,389, A duplicated; the last of 4 consecutive A bases (chr2:73,491,386-73,491,389); duplicating any one gives the same sequence. VCF-style (leftmost placement, unchanged base first): chr2-73491385-G-GA. GRCh37 (hg19) VCF-style: chr2-73718512-G-GA.
Other names: c.9433dup, p.Thr3145fs (NM_015120.4); short protein forms T3145fs, T3144fs.
Identifiers: ClinVar variation 241016 (VCV000241016.6), dbSNP rs878855003, ClinGen allele CA10582104.